The following is an entry in ClinVar:

ClinVar aggregate classification (germline): Uncertain significance (1 of 4 stars; one submission).

gnomAD v4.1: 2 of 1,441,952 alleles (0.00014%); highest among the groups gnomAD compares: Non-Finnish European, 0.00018%; no homozygotes.

Submission:

Labcorp Genetics (formerly Invitae), Labcorp
Classification: Uncertain significance. Last evaluated: 2022-07-11. Review status: criteria provided, single submitter. Criteria: Invitae Variant Classification Sherloc (09022015). Collection method: clinical testing. Allele origin: germline.
Comment: In summary, the available evidence is currently insufficient to determine the role of this variant in disease. Therefore, it has been classified as a Variant of Uncertain Significance. Algorithms developed to predict the effect of missense changes on protein structure and function are either unavailable or do not agree on the potential impact of this missense change (SIFT: "Deleterious"; PolyPhen-2: "Benign"; Align-GVGD: "Class C55"). ClinVar contains an entry for this variant (Variation ID: 1434475). This variant has not been reported in the literature in individuals affected with SAMD11-related conditions. This variant is not present in population databases (gnomAD no frequency). This sequence change replaces alanine, which is neutral and non-polar, with valine, which is neutral and non-polar, at codon 405 of the SAMD11 protein (p.Ala405Val).

NM_001385641.1(SAMD11):c.1703C>T (p.Ala568Val)

Gene: SAMD11 (sterile alpha motif domain containing 11; plus strand). Cytogenetic location: 1p36.33.
Variant type: single nucleotide variant.
Coding change: c.1703C>T on transcript NM_001385641.1 (MANE Select); coding-DNA position 1703, C replaced by T.
Protein change: p.Ala568Val; replaces alanine 568 with valine.
Molecular consequence: missense variant.
Genome position (GRCh38, 1-based): chr1:942,708, C>T. VCF-style: chr1-942708-C-T. GRCh37 (hg19) VCF-style: chr1-878088-C-T.
Other names: c.1706C>T, p.Ala569Val (NM_001385640.1); c.1214C>T, p.Ala405Val (NM_152486.4); short protein forms A568V, A569V, A405V.
Identifiers: ClinVar variation 1434475 (VCV001434475.8), dbSNP rs1183551755, ClinGen allele CA337809508.
Genomic context (GRCh38, chr1:942,708, plus strand): 5'-ACGACGGCGCCGAGGAGCTGCAGCGGCGCGGGGCCCTGCTGGTGCTGAACCACGGCGCGG[C>T]GCCACTGCTGGCCCTGCCCCCCCAGGGGCCCCCGGGCTCCGGACCCCCCACCCCGTCCCG-3'
Protein context (NP_001372570.1, residues 558-578): GALLVLNHGA[Ala568Val]PLLALPPQGP